The following is an entry in ClinVar:

NM_001379403.1(WDR26):c.2224G>A (p.Gly742Arg)

Gene: WDR26 (WD repeat domain 26; minus strand). Cytogenetic location: 1q42.11.
Variant type: single nucleotide variant.
Coding change: c.2224G>A on transcript NM_001379403.1 (MANE Select); coding-DNA position 2224, G replaced by A.
Protein change: p.Gly742Arg; replaces glycine 742 with arginine.
Molecular consequence: missense variant.
Genome position (GRCh38, 1-based): chr1:224,393,864, C>T on the plus strand (G>A on the coding strand, the complement: WDR26 is on the minus strand). VCF-style: chr1-224393864-C-T. GRCh37 (hg19) VCF-style: chr1-224581566-C-T.
Other names: c.1876G>A, p.Gly626Arg (NM_001115113.3); c.1924G>A, p.Gly642Arg (NM_025160.7); short protein forms G626R, G642R, G742R.
Identifiers: ClinVar variation 5020848 (VCV005020848.1).

ClinVar aggregate classification (germline): Uncertain significance (1 of 4 stars; one submission).

Submission:

Dasa
Classification: Uncertain significance. Last evaluated: 2025-10-01. Review status: criteria provided, single submitter. Criteria: DASA Assertion Criteria. Collection method: clinical testing. Allele origin: germline.
Comment: NM_001379403.1(WDR26):c.2224G>A (p.Gly742Arg) is a missense variant that results in the substitution of glycine with arginine. This variant is rare in population databases. The currently available literature and clinical evidence are not sufficient to establish a definitive association between this variant and the reported condition. Therefore, this variant is classified as a variant of uncertain significance.